The following is an entry in ClinVar:

NM_000387.6(SLC25A20):c.131G>A (p.Ser44Asn)

Gene: SLC25A20 (solute carrier family 25 member 20; minus strand). Cytogenetic location: 3p21.31.
Variant type: single nucleotide variant.
Coding change: c.131G>A on transcript NM_000387.6 (MANE Select); coding-DNA position 131, G replaced by A.
Protein change: p.Ser44Asn; replaces serine 44 with asparagine.
Molecular consequence: missense variant.
Genome position (GRCh38, 1-based): chr3:48,892,047, C>T on the plus strand (G>A on the coding strand, the complement: SLC25A20 is on the minus strand). VCF-style: chr3-48892047-C-T. GRCh37 (hg19) VCF-style: chr3-48929480-C-T.
Other names: short protein forms S44N.
Identifiers: ClinVar variation 2136965 (VCV002136965.1), dbSNP rs2083881740, ClinGen allele CA352637616.

ClinVar aggregate classification (germline): Uncertain significance (1 of 4 stars; one submission).

Conditions:
Carnitine acylcarnitine translocase deficiency (CACTD). Identifiers: Orphanet 159, MedGen C0342791, MONDO:0008918, OMIM 212138.

gnomAD v4.1: 2 of 1,614,104 alleles (0.00012%); no homozygotes.

Submission:

Labcorp Genetics (formerly Invitae), Labcorp
Classification: Uncertain significance for Carnitine acylcarnitine translocase deficiency. Last evaluated: 2022-06-13. Review status: criteria provided, single submitter. Criteria: Invitae Variant Classification Sherloc (09022015). Collection method: clinical testing. Allele origin: germline.
Comment: This sequence change replaces serine, which is neutral and polar, with asparagine, which is neutral and polar, at codon 44 of the SLC25A20 protein (p.Ser44Asn). This variant is not present in population databases (gnomAD no frequency). This variant has not been reported in the literature in individuals affected with SLC25A20-related conditions. Algorithms developed to predict the effect of missense changes on protein structure and function output the following: SIFT: "Deleterious"; PolyPhen-2: "Benign"; Align-GVGD: "Class C0". The asparagine amino acid residue is found in multiple mammalian species, which suggests that this missense change does not adversely affect protein function. In summary, the available evidence is currently insufficient to determine the role of this variant in disease. Therefore, it has been classified as a Variant of Uncertain Significance.